The following is an entry in ClinVar:

ClinVar aggregate classification (germline): Uncertain significance (1 of 4 stars; one submission).

Conditions:
Dilated cardiomyopathy 1W (CMD1W). Identifiers: Orphanet 154, MedGen C1969639, MONDO:0012667, OMIM 611407.

Allele frequency attached by ClinVar (database versions not stated): gnomAD 0.00001; gnomAD exomes 0.00001.
gnomAD v4.1: 5 of 1,613,844 alleles (0.00031%); highest among the groups gnomAD compares: Non-Finnish European, 0.00042%; no homozygotes.

Submission:

Labcorp Genetics (formerly Invitae), Labcorp
Classification: Uncertain significance for Dilated cardiomyopathy 1W. Last evaluated: 2024-09-21. Review status: criteria provided, single submitter. Criteria: Invitae Variant Classification Sherloc (09022015). Collection method: clinical testing. Allele origin: germline.
Comment: This sequence change falls in intron 18 of the VCL gene. It does not directly change the encoded amino acid sequence of the VCL protein. It affects a nucleotide within the consensus splice site. This variant is not present in population databases (gnomAD no frequency). This variant has not been reported in the literature in individuals affected with VCL-related conditions. ClinVar contains an entry for this variant (Variation ID: 1951159). Variants that disrupt the consensus splice site are a relatively common cause of aberrant splicing (PMID: 17576681, 9536098). Algorithms developed to predict the effect of sequence changes on RNA splicing suggest that this variant is not likely to affect RNA splicing. In summary, the available evidence is currently insufficient to determine the role of this variant in disease. Therefore, it has been classified as a Variant of Uncertain Significance.

Literature cited by the submitters: PubMed 17576681; PubMed 9536098.

NM_014000.3(VCL):c.2745+6T>A

Gene: VCL (vinculin; plus strand). Cytogenetic location: 10q22.2.
Variant type: single nucleotide variant.
Coding change: c.2745+6T>A on transcript NM_014000.3 (MANE Select); 6 bases into the intron after coding-DNA position 2745, T replaced by A.
Molecular consequence: intron variant.
Genome position (GRCh38, 1-based): chr10:74,109,162, T>A. VCF-style: chr10-74109162-T-A. GRCh37 (hg19) VCF-style: chr10-75868920-T-A.
Other names: c.2745+6T>A (NM_003373.4).
Identifiers: ClinVar variation 1951159 (VCV001951159.5), dbSNP rs1840181970, ClinGen allele CA929964323.
Genomic context (GRCh38, chr10:74,109,162, plus strand): 5'-AATGATGATGGCTGCCAGACAGCTCCATGATGAAGCTCGCAAATGGTCCAGCAAGGTAAG[T>A]AGTGAAGCTTTTCTTGTTGAGAAAGGATGTCTTCTCGGAAAGGATGAAGGACCATGAAAG-3'